The following is an entry in ClinVar:

NM_016213.5(TRIP4):c.367A>C (p.Thr123Pro)

Gene: TRIP4 (thyroid hormone receptor interactor 4; plus strand). Cytogenetic location: 15q22.31.
Variant type: single nucleotide variant.
Coding change: c.367A>C on transcript NM_016213.5 (MANE Select); coding-DNA position 367, A replaced by C.
Protein change: p.Thr123Pro; replaces threonine 123 with proline.
Molecular consequence: missense variant. On other transcripts: 5 prime UTR variant (1), non-coding transcript variant (1).
Genome position (GRCh38, 1-based): chr15:64,395,493, A>C. VCF-style: chr15-64395493-A-C. GRCh37 (hg19) VCF-style: chr15-64687692-A-C.
Other names: p.Thr123Pro; c.367A>C (NM_016213.4); c.-324A>C (NM_001321924.2); short protein forms T123P.
Identifiers: ClinVar variation 2050123 (VCV002050123.5), dbSNP rs199707100, ClinGen allele CA7609353.

ClinVar aggregate classification (germline): Uncertain significance. Review status: criteria provided, multiple submitters, no conflicts (2 of 4 stars). 3 submissions from 3 submitters: Uncertain significance (3). Last evaluated 2025-08-11.

Conditions:
Inborn genetic diseases. Identifiers: MedGen C0950123, MeSH D030342.

Allele frequency attached by ClinVar (database versions not stated): ExAC 0.00007.
gnomAD v4.1: 116 of 1,613,850 alleles (0.0072%); highest among the groups gnomAD compares: East Asian, 0.022%; no homozygotes.

Submissions (3):

Ambry Genetics
Classification: Uncertain significance for Inborn genetic diseases. Last evaluated: 2025-08-11. Review status: criteria provided, single submitter. Criteria: Ambry Variant Classification Scheme 2023. Collection method: clinical testing. Allele origin: germline.

Mayo Clinic Laboratories, Mayo Clinic
Classification: Uncertain significance. Last evaluated: 2025-06-27. Review status: criteria provided, single submitter. Criteria: ACMG Guidelines, 2015. Collection method: clinical testing. Allele origin: germline. Observed: 1 variant allele.
Comment: BP4_moderate

Labcorp Genetics (formerly Invitae), Labcorp
Classification: Uncertain significance. Last evaluated: 2022-03-19. Review status: criteria provided, single submitter. Criteria: Invitae Variant Classification Sherloc (09022015). Collection method: clinical testing. Allele origin: germline.
Comment: This sequence change replaces threonine, which is neutral and polar, with proline, which is neutral and non-polar, at codon 123 of the TRIP4 protein (p.Thr123Pro). This variant is present in population databases (rs199707100, gnomAD 0.008%). This variant has not been reported in the literature in individuals affected with TRIP4-related conditions. Algorithms developed to predict the effect of missense changes on protein structure and function (SIFT, PolyPhen-2, Align-GVGD) all suggest that this variant is likely to be tolerated. In summary, the available evidence is currently insufficient to determine the role of this variant in disease. Therefore, it has been classified as a Variant of Uncertain Significance.